The following is an entry in ClinVar:

NM_000937.5(POLR2A):c.3243G>A (p.Ala1081=)

Gene: POLR2A (RNA polymerase II subunit A; plus strand). Cytogenetic location: 17p13.1.
Variant type: single nucleotide variant.
Coding change: c.3243G>A on transcript NM_000937.5 (MANE Select); coding-DNA position 3243, G replaced by A.
Protein change: p.Ala1081=; no amino-acid change (alanine 1081 retained).
Molecular consequence: synonymous variant.
Genome position (GRCh38, 1-based): chr17:7,508,253, G>A. VCF-style: chr17-7508253-G-A. GRCh37 (hg19) VCF-style: chr17-7411572-G-A.
Identifiers: ClinVar variation 3771483 (VCV003771483.13).

ClinVar aggregate classification (germline): Likely benign (1 of 4 stars; one submission).

Submission:

CeGaT Center for Human Genetics Tuebingen
Classification: Likely benign. Last evaluated: 2024-12-01. Review status: criteria provided, single submitter. Criteria: CeGaT Center For Human Genetics Tuebingen Variant Classification Criteria Version 2. Collection method: clinical testing. Allele origin: germline. Affected: yes. Observed: 1 variant allele.
Comment: POLR2A: BP4, BP7